The following is an entry in ClinVar:

ClinVar aggregate classification (germline): Uncertain significance (1 of 4 stars; one submission).

Conditions:
3-Methylglutaconic aciduria type 2 (BTHS). Also called: CARDIOSKELETAL MYOPATHY WITH NEUTROPENIA AND ABNORMAL MITOCHONDRIA; Barth syndrome. Identifiers: Orphanet 111, MedGen C0574083, MONDO:0010543, OMIM 302060.

Allele frequency attached by ClinVar (database versions not stated): gnomAD exomes below 0.00001.
gnomAD v4.1: 2 of 1,211,354 alleles (0.00017%); highest among the groups gnomAD compares: Non-Finnish European, 0.00022%; no homozygotes.

Submission:

Labcorp Genetics (formerly Invitae), Labcorp
Classification: Uncertain significance for 3-Methylglutaconic aciduria type 2. Last evaluated: 2023-03-02. Review status: criteria provided, single submitter. Criteria: Invitae Variant Classification Sherloc (09022015). Collection method: clinical testing. Allele origin: germline.
Comment: This sequence change replaces leucine, which is neutral and non-polar, with isoleucine, which is neutral and non-polar, at codon 249 of the TAZ protein (p.Leu249Ile). This variant is not present in population databases (gnomAD no frequency). In summary, the available evidence is currently insufficient to determine the role of this variant in disease. Therefore, it has been classified as a Variant of Uncertain Significance. An algorithm developed to predict the effect of missense changes on protein structure and function (PolyPhen-2) suggests that this variant is likely to be tolerated. This variant has not been reported in the literature in individuals affected with TAZ-related conditions.

NM_000116.5(TAFAZZIN):c.745C>A (p.Leu249Ile)

Gene: TAFAZZIN (tafazzin, phospholipid-lysophospholipid transacylase; plus strand). Cytogenetic location: Xq28.
Variant type: single nucleotide variant.
Coding change: c.745C>A on transcript NM_000116.5 (MANE Select); coding-DNA position 745, C replaced by A.
Protein change: p.Leu249Ile; replaces leucine 249 with isoleucine.
Molecular consequence: missense variant. On other transcripts: non-coding transcript variant (1).
Genome position (GRCh38, 1-based): chrX:154,420,703, C>A. VCF-style: chrX-154420703-C-A. GRCh37 (hg19) VCF-style: chrX-153649042-C-A.
Other names: c.757C>A, p.Leu253Ile (NM_001303465.2); c.709C>A, p.Leu237Ile (NM_001410698.1); c.655C>A, p.Leu219Ile (NM_181311.4); c.703C>A, p.Leu235Ile (NM_181312.4); c.613C>A, p.Leu205Ile (NM_181313.4); short protein forms L205I, L219I, L249I, L235I, L237I, L253I.
Identifiers: ClinVar variation 2895712 (VCV002895712.3), dbSNP rs2522996841, ClinGen allele CA415185435.